The following is an entry in ClinVar:

NM_207361.6(FREM2):c.*5335A>G

Gene: FREM2 (FRAS1 related extracellular matrix 2; plus strand). Cytogenetic location: 13q13.3.
Variant type: single nucleotide variant.
Coding change: c.*5335A>G on transcript NM_207361.6 (MANE Select); 5335 bases downstream of the stop codon, A replaced by G.
Molecular consequence: 3 prime UTR variant.
Genome position (GRCh38, 1-based): chr13:38,886,122, A>G. VCF-style: chr13-38886122-A-G. GRCh37 (hg19) VCF-style: chr13-39460259-A-G.
Identifiers: ClinVar variation 312098 (VCV000312098.5), dbSNP rs9548524, ClinGen allele CA10634338.

ClinVar aggregate classification (germline): Benign (1 of 4 stars; one submission).

Conditions:
Fraser syndrome 2 (FRASRS2). Identifiers: MedGen C4540036, MONDO:0054738, OMIM 617666.

Allele frequency attached by ClinVar (database versions not stated): 1000 Genomes Project 0.08427; 1000 Genomes Project 30x 0.08635; gnomAD 0.09168 and 0.09410; TOPMed 0.10302.

Submission:

Illumina Laboratory Services, Illumina
Classification: Benign for Fraser syndrome 2. Last evaluated: 2018-01-13. Review status: criteria provided, single submitter. Criteria: ICSL Variant Classification Criteria 13 December 2019. Collection method: clinical testing. Allele origin: germline.
Comment: This variant was observed in the ICSL laboratory as part of a predisposition screen in an ostensibly healthy population. It had not been previously curated by ICSL or reported in the Human Gene Mutation Database (HGMD: prior to June 1st, 2018), and was therefore a candidate for classification through an automated scoring system. Utilizing variant allele frequency, disease prevalence and penetrance estimates, and inheritance mode, an automated score was calculated to assess if this variant is too frequent to cause the disease. Based on the score and internal cut-off values, a variant classified as benign is not then subjected to further curation. The score for this variant resulted in a classification of benign for this disease.